The following is an entry in ClinVar:

NM_001042492.3(NF1):c.2454C>G (p.Ser818=)

Gene: NF1 (neurofibromin 1; plus strand). Cytogenetic location: 17q11.2.
Variant type: single nucleotide variant.
Coding change: c.2454C>G on transcript NM_001042492.3 (MANE Select); coding-DNA position 2454, C replaced by G.
Protein change: p.Ser818=; no amino-acid change (serine 818 retained).
Molecular consequence: synonymous variant.
Genome position (GRCh38, 1-based): chr17:31,229,069, C>G. VCF-style: chr17-31229069-C-G. GRCh37 (hg19) VCF-style: chr17-29556087-C-G.
Other names: c.2454C>G, p.Ser818= (NM_000267.4).
Identifiers: ClinVar variation 1117113 (VCV001117113.13), dbSNP rs763634947, ClinGen allele CA8485990.

ClinVar aggregate classification (germline): Benign/Likely benign. Review status: criteria provided, multiple submitters, no conflicts (2 of 4 stars). 5 submissions from 5 submitters: Benign (1); Likely benign (3). 1 of the submissions does not count toward it. Last evaluated 2026-09-23.

Conditions:
NF1-related disorder. Also called: NF1-related condition. Identifiers: MedGen CN379171.
Cardiovascular phenotype. Identifiers: MedGen CN230736.
Hereditary cancer-predisposing syndrome. Also called: Hereditary Cancer Syndrome; Hereditary neoplastic syndrome; Neoplastic Syndromes, Hereditary; Tumor predisposition. Identifiers: Orphanet 140162, MedGen C0027672, MeSH D009386, MONDO:0015356.
Neurofibromatosis, type 1 (NF1). Also called: Neurofibromatosis, type I; VON RECKLINGHAUSEN DISEASE; Peripheral type neurofibromatosis; NEUROFIBROMATOSIS, TYPE I, SOMATIC. Identifiers: Orphanet 636, MedGen C0027831, MONDO:0018975, OMIM 162200. Disease mechanism: loss of function.

Allele frequency attached by ClinVar (database versions not stated): gnomAD 0.00001.
gnomAD v4.1: 7 of 1,611,626 alleles (0.00043%); highest among the groups gnomAD compares: Admixed American, 0.005%; no homozygotes.

Submissions (5):

Myriad Genetics, Inc.
Classification: Benign for Neurofibromatosis, type 1. Last evaluated: 2026-09-23. Review status: criteria provided, single submitter. Criteria: Myriad Autosomal Dominant, Autosomal Recessive and X-Linked Classification Criteria (2023). Collection method: clinical testing. Allele origin: unknown.
Comment: This variant is considered benign. This variant is a silent/synonymous amino acid change and it is not expected to impact splicing.

Labcorp Genetics (formerly Invitae), Labcorp
Classification: Likely benign for Neurofibromatosis, type 1. Last evaluated: 2025-08-03. Review status: criteria provided, single submitter. Criteria: Invitae Variant Classification Sherloc (09022015). Collection method: clinical testing. Allele origin: germline.

Women's Health and Genetics/Laboratory Corporation of America, LabCorp
Classification: Likely benign. Last evaluated: 2024-09-25. Review status: criteria provided, single submitter. Criteria: LabCorp Variant Classification Summary - May 2015. Collection method: clinical testing. Allele origin: germline.

Ambry Genetics
Classification: Likely benign for Cardiovascular phenotype; Hereditary cancer-predisposing syndrome. Last evaluated: 2020-01-06. Review status: criteria provided, single submitter. Criteria: Ambry Variant Classification Scheme 2023. Collection method: clinical testing. Allele origin: germline.

PreventionGenetics, part of Exact Sciences
Classification: Likely benign for NF1-related condition. Last evaluated: 2021-04-27. Review status: no assertion criteria provided. Collection method: clinical testing. Allele origin: germline. Not counted in ClinVar's aggregate classification.
Comment: This variant is classified as likely benign based on ACMG/AMP sequence variant interpretation guidelines (Richards et al. 2015 PMID: 25741868, with internal and published modifications).